The following is an entry in ClinVar:

NM_001347721.2(DYRK1A):c.1555C>T (p.Arg519Trp)

Gene: DYRK1A (dual specificity tyrosine phosphorylation regulated kinase 1A; plus strand). Cytogenetic location: 21q22.13.
Variant type: single nucleotide variant.
Coding change: c.1555C>T on transcript NM_001347721.2 (MANE Select); coding-DNA position 1555, C replaced by T.
Protein change: p.Arg519Trp; replaces arginine 519 with tryptophan.
Molecular consequence: missense variant. On other transcripts: intron variant (1).
Genome position (GRCh38, 1-based): chr21:37,506,134, C>T. VCF-style: chr21-37506134-C-T. GRCh37 (hg19) VCF-style: chr21-38878437-C-T.
Other names: c.1555C>T, p.Arg519Trp (NM_001347722.2, NM_130436.2); c.1468C>T, p.Arg490Trp (NM_001347723.2); c.1582C>T, p.Arg528Trp (NM_001396.5, NM_101395.2); c.1546+545C>T (NM_130438.2); short protein forms R528W, R519W, R490W.
Identifiers: ClinVar variation 435014 (VCV000435014.19), dbSNP rs1448604709, ClinGen allele CA409938855.

ClinVar aggregate classification (germline): Conflicting classifications of pathogenicity. Review status: criteria provided, conflicting classifications (1 of 4 stars). 4 submissions from 4 submitters: Uncertain significance (1); Benign (1); Likely benign (2). Last evaluated 2026-03-01.

Conditions:
Inborn genetic diseases. Identifiers: MedGen C0950123, MeSH D030342.
DYRK1A-related intellectual disability syndrome (MRD7). Also called: Intellectual developmental disorder, autosomal dominant 7; DYRK1A Syndrome. Identifiers: Orphanet 464306, MedGen C5568143, MONDO:0013578, OMIM 614104.

Allele frequency attached by ClinVar (database versions not stated): gnomAD 0.00001; gnomAD exomes 0.00001; TOPMed 0.00001.
gnomAD v4.1: 16 of 1,613,568 alleles (0.00099%); highest among the groups gnomAD compares: South Asian, 0.0099%; no homozygotes.

Submissions (4):

CeGaT Center for Human Genetics Tuebingen
Classification: Likely benign. Last evaluated: 2026-03-01. Review status: criteria provided, single submitter. Criteria: CeGaT Center For Human Genetics Tuebingen Variant Classification Criteria Version 2. Collection method: clinical testing. Allele origin: germline. Affected: yes. Observed: 1 variant allele.
Comment: DYRK1A: BS2

Labcorp Genetics (formerly Invitae), Labcorp
Classification: Benign for DYRK1A-related intellectual disability syndrome. Last evaluated: 2026-01-01. Review status: criteria provided, single submitter. Criteria: Invitae Variant Classification Sherloc (09022015). Collection method: clinical testing. Allele origin: germline.

Ambry Genetics
Classification: Likely benign for Inborn genetic diseases. Last evaluated: 2019-10-01. Review status: criteria provided, single submitter. Criteria: Ambry Variant Classification Scheme 2023. Collection method: clinical testing. Allele origin: germline.

Genetic Services Laboratory, University of Chicago
Classification: Uncertain significance. Last evaluated: 2015-09-03. Review status: criteria provided, single submitter. Criteria: ACMG Guidelines, 2015. Collection method: clinical testing. Allele origin: germline. Affected: no.